The following is an entry in ClinVar:

ClinVar aggregate classification (germline): Uncertain significance (1 of 4 stars; one submission).

Conditions:
Hereditary cancer-predisposing syndrome. Also called: Tumor predisposition; Hereditary Cancer Syndrome; Hereditary neoplastic syndrome; Neoplastic Syndromes, Hereditary. Identifiers: Orphanet 140162, MedGen C0027672, MeSH D009386, MONDO:0015356.

Submission:

Ambry Genetics
Classification: Uncertain significance for Hereditary cancer-predisposing syndrome. Last evaluated: 2025-09-26. Review status: criteria provided, single submitter. Criteria: Ambry Variant Classification Scheme 2023. Collection method: clinical testing. Allele origin: germline.
Comment: The p.C298G variant (also known as c.892T>G), located in coding exon 7 of the SMARCB1 gene, results from a T to G substitution at nucleotide position 892. The cysteine at codon 298 is replaced by glycine, an amino acid with highly dissimilar properties. This amino acid position is conserved. In addition, this alteration is predicted to be deleterious by in silico analysis. Based on the available evidence, the clinical significance of this variant remains unclear.

NM_003073.5(SMARCB1):c.892T>G (p.Cys298Gly)

Gene: SMARCB1 (SWI/SNF related BAF chromatin remodeling complex subunit B1; plus strand). Cytogenetic location: 22q11.23.
Variant type: single nucleotide variant.
Coding change: c.892T>G on transcript NM_003073.5 (MANE Select); coding-DNA position 892, T replaced by G.
Protein change: p.Cys298Gly; replaces cysteine 298 with glycine.
Molecular consequence: missense variant.
Genome position (GRCh38, 1-based): chr22:23,825,321, T>G. VCF-style: chr22-23825321-T-G. GRCh37 (hg19) VCF-style: chr22-24167508-T-G.
Other names: c.865T>G, p.Cys289Gly (NM_001007468.3); c.919T>G, p.Cys307Gly (NM_001317946.2); c.946T>G, p.Cys316Gly (NM_001362877.2); short protein forms C307G, C316G, C289G, C298G.
Identifiers: ClinVar variation 4550122 (VCV004550122.1).